The following is an entry in ClinVar:

ClinVar aggregate classification (germline): Uncertain significance (1 of 4 stars; one submission).

Allele frequency attached by ClinVar (database versions not stated): gnomAD exomes 0.00002 and 0.00003; TOPMed 0.00002; ESP Exome Variant Server 0.00010; gnomAD 0.00001.
gnomAD v4.1: 28 of 1,532,294 alleles (0.0018%); highest among the groups gnomAD compares: Non-Finnish European, 0.0023%; no homozygotes.

Submission:

Labcorp Genetics (formerly Invitae), Labcorp
Classification: Uncertain significance. Last evaluated: 2025-08-21. Review status: criteria provided, single submitter. Criteria: Invitae Variant Classification Sherloc (09022015). Collection method: clinical testing. Allele origin: germline.
Comment: This sequence change replaces aspartic acid with asparagine at codon 1117 of the COL18A1 protein (p.Asp1117Asn). There is a small physicochemical difference between aspartic acid and asparagine. This variant is present in population databases (rs372741290, gnomAD 0.01%). This variant has not been reported in the literature in individuals affected with COL18A1-related conditions. ClinVar contains an entry for this variant (Variation ID: 1467486). Experimental studies and prediction algorithms are not available or were not evaluated, and the functional significance of this variant is currently unknown. In summary, the available evidence is currently insufficient to determine the role of this variant in disease. Therefore, it has been classified as a Variant of Uncertain Significance.

NM_001379500.1(COL18A1):c.3358G>A (p.Asp1120Asn)

Genes: COL18A1 (collagen type XVIII alpha 1 chain; plus strand), SLC19A1 (solute carrier family 19 member 1; minus strand). Cytogenetic location: 21q22.3.
Variant type: single nucleotide variant.
Coding change: c.3358G>A on transcript NM_001379500.1 (MANE Select); coding-DNA position 3358, G replaced by A.
Protein change: p.Asp1120Asn; replaces aspartic acid 1120 with asparagine.
Molecular consequence: missense variant.
Genome position (GRCh38, 1-based): chr21:45,509,464, G>A. VCF-style: chr21-45509464-G-A. GRCh37 (hg19) VCF-style: chr21-46929378-G-A.
Other names: c.3889G>A, p.Asp1297Asn (NM_030582.4); c.4594G>A, p.Asp1532Asn (NM_130444.3); short protein forms D1297N, D1120N, D1532N.
Identifiers: ClinVar variation 1467486 (VCV001467486.5), dbSNP rs372741290, ClinGen allele CA321923440.